The following is an entry in ClinVar:

ClinVar aggregate classification (germline): Pathogenic (1 of 4 stars; one submission).

Conditions:
Irido-corneo-trabecular dysgenesis (ASGD5). Also called: ANTERIOR SEGMENT DYSGENESIS 5. Identifiers: Orphanet 708, MedGen C0344559, MONDO:0011414, OMIM 604229, HP:0000659.
Aniridia 1 (AN1). Identifiers: Orphanet 250923, MedGen C0344542, MONDO:0024507, OMIM 106210.

Submission:

Labcorp Genetics (formerly Invitae), Labcorp
Classification: Pathogenic for Aniridia 1; Irido-corneo-trabecular dysgenesis. Last evaluated: 2022-06-28. Review status: criteria provided, single submitter. Criteria: Invitae Variant Classification Sherloc (09022015). Collection method: clinical testing. Allele origin: germline.
Comment: For these reasons, this variant has been classified as Pathogenic. This variant has not been reported in the literature in individuals affected with PAX6-related conditions. This variant is not present in population databases (gnomAD no frequency). This sequence change creates a premature translational stop signal (p.Glu223*) in the PAX6 gene. It is expected to result in an absent or disrupted protein product. Loss-of-function variants in PAX6 are known to be pathogenic (PMID: 12634864).

Literature cited by the submitters: PubMed 12634864.

NM_001368894.2(PAX6):c.709G>T (p.Glu237Ter)

Gene: PAX6 (paired box 6; minus strand). Cytogenetic location: 11p13.
Variant type: single nucleotide variant.
Coding change: c.709G>T on transcript NM_001368894.2 (MANE Select); coding-DNA position 709, G replaced by T.
Protein change: p.Glu237Ter; replaces glutamic acid 237 with a stop codon.
Molecular consequence: nonsense. On other transcripts: non-coding transcript variant (2).
Genome position (GRCh38, 1-based): chr11:31,794,645, C>A on the plus strand (G>T on the coding strand, the complement: PAX6 is on the minus strand). VCF-style: chr11-31794645-C-A. GRCh37 (hg19) VCF-style: chr11-31816193-C-A.
Other names: c.784G>T, p.Glu262Ter (NM_001368919.2, NM_001368918.2); c.742G>T, p.Glu248Ter (NM_001368920.2); c.508G>T, p.Glu170Ter (NM_001368921.2, NM_001368922.2, NM_001368923.2 and 4 more transcripts); c.466G>T, p.Glu156Ter (NM_001368928.2); c.259G>T, p.Glu87Ter (NM_001368929.2, NM_001310160.2, NM_001310161.3 and 11 more transcripts); c.64G>T, p.Glu22Ter (NM_001368930.2); c.709G>T, p.Glu237Ter (NM_001604.6, NM_001258462.3, NM_001258463.2 and 6 more transcripts); c.667G>T, p.Glu223Ter (NM_000280.6, NM_001127612.3, NM_001258464.2 and 10 more transcripts); and 2 more; short protein forms E156*, E237*, E223*, E304*, E87*, E170*, E22*, E238*.
Identifiers: ClinVar variation 1451194 (VCV001451194.6), dbSNP rs2134655427, ClinGen allele CA379956833.